The following is an entry in ClinVar:

NM_002968.3(SALL1):c.647G>C (p.Cys216Ser)

Gene: SALL1 (spalt like transcription factor 1; minus strand). Cytogenetic location: 16q12.1.
Variant type: single nucleotide variant.
Coding change: c.647G>C on transcript NM_002968.3 (MANE Select); coding-DNA position 647, G replaced by C.
Protein change: p.Cys216Ser; replaces cysteine 216 with serine.
Molecular consequence: missense variant.
Genome position (GRCh38, 1-based): chr16:51,141,575, C>G on the plus strand (G>C on the coding strand, the complement: SALL1 is on the minus strand). VCF-style: chr16-51141575-C-G. GRCh37 (hg19) VCF-style: chr16-51175486-C-G.
Other names: c.356G>C, p.Cys119Ser (NM_001127892.2); short protein forms C216S, C119S.
Identifiers: ClinVar variation 3707953 (VCV003707953.2).

ClinVar aggregate classification (germline): Uncertain significance (1 of 4 stars; one submission).

Conditions:
Townes syndrome (TBS). Also called: Townes-Brocks syndrome. Identifiers: Orphanet 857, MedGen C0265246, MeSH C536974, MONDO:0007142.

gnomAD v4.1: 6 of 1,614,168 alleles (0.00037%); highest among the groups gnomAD compares: South Asian, 0.0066%; no homozygotes.

Submission:

Labcorp Genetics (formerly Invitae), Labcorp
Classification: Uncertain significance for Townes syndrome. Last evaluated: 2024-02-14. Review status: criteria provided, single submitter. Criteria: Invitae Variant Classification Sherloc (09022015). Collection method: clinical testing. Allele origin: germline.
Comment: This sequence change replaces cysteine, which is neutral and slightly polar, with serine, which is neutral and polar, at codon 216 of the SALL1 protein (p.Cys216Ser). This variant is present in population databases (rs779053475, gnomAD 0.01%). This variant has not been reported in the literature in individuals affected with SALL1-related conditions. Advanced modeling of protein sequence and biophysical properties (such as structural, functional, and spatial information, amino acid conservation, physicochemical variation, residue mobility, and thermodynamic stability) performed at Invitae indicates that this missense variant is not expected to disrupt SALL1 protein function with a negative predictive value of 80%. In summary, the available evidence is currently insufficient to determine the role of this variant in disease. Therefore, it has been classified as a Variant of Uncertain Significance.